The following is an entry in ClinVar:

ClinVar aggregate classification (germline): Uncertain significance (1 of 4 stars; one submission).

Submission:

Labcorp Genetics (formerly Invitae), Labcorp
Classification: Uncertain significance. Last evaluated: 2021-02-02. Review status: criteria provided, single submitter. Criteria: Invitae Variant Classification Sherloc (09022015). Collection method: clinical testing. Allele origin: germline.
Comment: This variant has not been reported in the literature in individuals with SCN3A-related conditions. In summary, the available evidence is currently insufficient to determine the role of this variant in disease. Therefore, it has been classified as a Variant of Uncertain Significance. Algorithms developed to predict the effect of missense changes on protein structure and function are either unavailable or do not agree on the potential impact of this missense change (SIFT: "Deleterious"; PolyPhen-2: "Probably Damaging"; Align-GVGD: "Class C0"). This variant is not present in population databases (ExAC no frequency). This sequence change replaces arginine with leucine at codon 1909 of the SCN3A protein (p.Arg1909Leu). The arginine residue is moderately conserved and there is a moderate physicochemical difference between arginine and leucine.

NM_006922.4(SCN3A):c.5726G>T (p.Arg1909Leu)

Gene: SCN3A (sodium voltage-gated channel alpha subunit 3; minus strand). Cytogenetic location: 2q24.3.
Variant type: single nucleotide variant.
Coding change: c.5726G>T on transcript NM_006922.4 (MANE Select); coding-DNA position 5726, G replaced by T.
Protein change: p.Arg1909Leu; replaces arginine 1909 with leucine.
Molecular consequence: missense variant.
Genome position (GRCh38, 1-based): chr2:165,090,427, C>A on the plus strand (G>T on the coding strand, the complement: SCN3A is on the minus strand). VCF-style: chr2-165090427-C-A. GRCh37 (hg19) VCF-style: chr2-165946937-C-A.
Other names: c.5579G>T, p.Arg1860Leu (NM_001081676.2, NM_001081677.2); short protein forms R1860L, R1909L.
Identifiers: ClinVar variation 1368855 (VCV001368855.8), dbSNP rs376113629, ClinGen allele CA349010009.